The following is an entry in ClinVar:

ClinVar aggregate classification (germline): Pathogenic (1 of 4 stars; one submission).

Conditions:
Hereditary cancer-predisposing syndrome. Also called: Neoplastic Syndromes, Hereditary; Hereditary Cancer Syndrome; Tumor predisposition; Hereditary neoplastic syndrome. Identifiers: Orphanet 140162, MedGen C0027672, MeSH D009386, MONDO:0015356.

Submission:

Ambry Genetics
Classification: Pathogenic for Hereditary cancer-predisposing syndrome. Last evaluated: 2025-01-06. Review status: criteria provided, single submitter. Criteria: Ambry Variant Classification Scheme 2023. Collection method: clinical testing. Allele origin: germline.
Comment: The c.3713dupT pathogenic mutation, located in coding exon 24 of the ATM gene, results from a duplication of T at nucleotide position 3713, causing a translational frameshift with a predicted alternate stop codon (p.L1238Ffs*8). This variant is considered to be rare based on population cohorts in the Genome Aggregation Database (gnomAD). This alteration is expected to result in loss of function by premature protein truncation or nonsense-mediated mRNA decay. As such, this alteration is interpreted as a disease-causing mutation.

NM_000051.4(ATM):c.3713dup (p.Leu1238fs)

Gene: ATM (ATM serine/threonine kinase; plus strand). Cytogenetic location: 11q22.3.
Variant type: Duplication.
Coding change: c.3713dup on transcript NM_000051.4 (MANE Select); coding-DNA position 3713, one base duplicated (T; older notation c.3713dupT).
Protein change: p.Leu1238fs; shifts the reading frame from leucine 1238.
Molecular consequence: frameshift variant.
Genome position (GRCh38, 1-based): chr11:108,282,846, T duplicated; the last of 4 consecutive T bases (chr11:108,282,843-108,282,846); duplicating any one gives the same sequence. VCF-style (leftmost placement, unchanged base first): chr11-108282842-A-AT. GRCh37 (hg19) VCF-style: chr11-108153569-A-AT.
Other names: c.3713dup, p.Leu1238fs (NM_001351834.2); c.3713dupT (NM_000051.3); short protein forms L1238fs.
Identifiers: ClinVar variation 3801248 (VCV003801248.1).
Genomic context (GRCh38, chr11:108,282,842, plus strand): 5'-CTGGTTTTGGAATGGCTAAATCTTCAAGATACTGAATACAACTTATCTTCTTTTCCTTTT[A>AT]TTTTATTAAACTACACAAATATTGAGGATTTCTATAGGTAAGTTTATACATGACATATGT-3'